The following is an entry in ClinVar:

ClinVar aggregate classification (germline): Uncertain significance. Review status: criteria provided, multiple submitters, no conflicts (2 of 4 stars). 2 submissions from 2 submitters: Uncertain significance (2). Last evaluated 2024-06-17.

Allele frequency attached by ClinVar (database versions not stated): gnomAD 0.00001.
gnomAD v4.1: 23 of 1,591,930 alleles (0.0014%); highest among the groups gnomAD compares: Admixed American, 0.0035%; no homozygotes.

Submissions (2):

GeneDx
Classification: Uncertain significance. Last evaluated: 2024-06-17. Review status: criteria provided, single submitter. Criteria: GeneDx Variant Classification Process June 2021. Collection method: clinical testing. Allele origin: germline. Affected: yes.
Comment: In silico analysis indicates that this missense variant does not alter protein structure/function; Has not been previously published as pathogenic or benign to our knowledge

Ambry Genetics
Classification: Uncertain significance. Last evaluated: 2023-12-27. Review status: criteria provided, single submitter. Criteria: Ambry Variant Classification Scheme 2023. Collection method: clinical testing. Allele origin: germline.

NM_002226.5(JAG2):c.1397G>A (p.Arg466His)

Gene: JAG2 (jagged canonical Notch ligand 2; minus strand). Cytogenetic location: 14q32.33.
Variant type: single nucleotide variant.
Coding change: c.1397G>A on transcript NM_002226.5 (MANE Select); coding-DNA position 1397, G replaced by A.
Protein change: p.Arg466His; replaces arginine 466 with histidine.
Molecular consequence: missense variant.
Genome position (GRCh38, 1-based): chr14:105,150,896, C>T on the plus strand (G>A on the coding strand, the complement: JAG2 is on the minus strand). VCF-style: chr14-105150896-C-T. GRCh37 (hg19) VCF-style: chr14-105617233-C-T.
Other names: c.1283G>A, p.Arg428His (NM_145159.3); c.1397G>A (NM_002226.4); short protein forms R466H, R428H.
Identifiers: ClinVar variation 3112113 (VCV003112113.2), dbSNP rs769513887, ClinGen allele CA7386027.